The following is an entry in ClinVar:

ClinVar aggregate classification (germline): Uncertain significance (1 of 4 stars; one submission).

Submission:

GeneDx
Classification: Uncertain significance. Last evaluated: 2026-01-22. Review status: criteria provided, single submitter. Criteria: GeneDx Variant Classification Process June 2021. Collection method: clinical testing. Allele origin: germline.
Comment: Not observed at significant frequency in large population cohorts (gnomAD); In silico analysis supports a deleterious effect on splicing; Has not been previously published as pathogenic or benign to our knowledge

NM_001320.7(CSNK2B):c.375A>T (p.Ser125=)

Gene: CSNK2B (casein kinase 2 beta; plus strand). Cytogenetic location: 6p21.33.
Variant type: single nucleotide variant.
Coding change: c.375A>T on transcript NM_001320.7 (MANE Select); coding-DNA position 375, A replaced by T.
Protein change: p.Ser125=; no amino-acid change (serine 125 retained).
Molecular consequence: synonymous variant. On other transcripts: splice acceptor variant (1).
Genome position (GRCh38, 1-based): chr6:31,669,326, A>T. VCF-style: chr6-31669326-A-T. GRCh37 (hg19) VCF-style: chr6-31637103-A-T.
Other names: c.368-2A>T (NM_001282385.2).
Identifiers: ClinVar variation 4975445 (VCV004975445.1).